The following is an entry in ClinVar:

ClinVar aggregate classification (germline): Uncertain significance (1 of 4 stars; one submission).

Submission:

Labcorp Genetics (formerly Invitae), Labcorp
Classification: Uncertain significance. Last evaluated: 2026-01-22. Review status: criteria provided, single submitter. Criteria: Invitae Variant Classification Sherloc (09022015). Collection method: clinical testing. Allele origin: germline.
Comment: This sequence change replaces glutamic acid, which is acidic and polar, with lysine, which is basic and polar, at codon 398 of the TFRC protein (p.Glu398Lys). This variant is present in population databases (rs755909105, gnomAD 0.02%). This variant has not been reported in the literature in individuals affected with TFRC-related conditions. Invitae Evidence Modeling of protein sequence and biophysical properties (such as structural, functional, and spatial information, amino acid conservation, physicochemical variation, residue mobility, and thermodynamic stability) has been performed for this missense variant. However, the output from this modeling did not meet the statistical confidence thresholds required to predict the impact of this variant on TFRC protein function. In summary, the available evidence is currently insufficient to determine the role of this variant in disease. Therefore, it has been classified as a Variant of Uncertain Significance.

NM_001128148.3(TFRC):c.1192G>A (p.Glu398Lys)

Gene: TFRC (transferrin receptor; minus strand). Cytogenetic location: 3q29.
Variant type: single nucleotide variant.
Coding change: c.1192G>A on transcript NM_001128148.3 (MANE Select); coding-DNA position 1192, G replaced by A.
Protein change: p.Glu398Lys; replaces glutamic acid 398 with lysine.
Molecular consequence: missense variant.
Genome position (GRCh38, 1-based): chr3:196,065,449, C>T on the plus strand (G>A on the coding strand, the complement: TFRC is on the minus strand). VCF-style: chr3-196065449-C-T. GRCh37 (hg19) VCF-style: chr3-195792320-C-T.
Other names: c.949G>A, p.Glu317Lys (NM_001313965.2); c.346G>A, p.Glu116Lys (NM_001313966.2); c.1192G>A, p.Glu398Lys (NM_003234.4); short protein forms E116K, E317K, E398K.
Identifiers: ClinVar variation 4804117 (VCV004804117.1).